The following is an entry in ClinVar:

ClinVar aggregate classification (germline): Likely benign (1 of 4 stars; one submission).

Conditions:
KIR2DL1-related disorder. Also called: KIR2DL1-related condition.

Allele frequency attached by ClinVar (database versions not stated): ExAC 0.00012; 1000 Genomes Project 30x 0.15100; gnomAD 0.15281.
gnomAD v4.1: 238,341 of 1,604,402 alleles (15%); highest among the groups gnomAD compares: South Asian, 26%; 2,106 homozygotes.

Submission:

PreventionGenetics, part of Exact Sciences
Classification: Likely benign for KIR2DL1-related condition. Last evaluated: 2021-08-09. Review status: criteria provided, single submitter. Criteria: ACMG Guidelines, 2015. Collection method: clinical testing. Allele origin: germline.
Comment: This variant is classified as likely benign based on ACMG/AMP sequence variant interpretation guidelines (Richards et al. 2015 PMID: 25741868, with internal and published modifications).

NM_014218.3(KIR2DL1):c.997A>G (p.Thr333Ala)

Gene: KIR2DL1 (killer cell immunoglobulin like receptor, two Ig domains and long cytoplasmic tail 1). Cytogenetic location: 19q13.42.
Variant type: single nucleotide variant.
Coding change: c.997A>G on transcript NM_014218.3 (MANE Select); coding-DNA position 997, A replaced by G.
Protein change: p.Thr333Ala; replaces threonine 333 with alanine.
Molecular consequence: missense variant.
Genome position (GRCh38, 1-based): chr19:54,783,763, A>G. VCF-style: chr19-54783763-A-G. GRCh37 (hg19) VCF-style: chr19-55359483-A-G.
Other names: short protein forms T333A.
Identifiers: ClinVar variation 3060390 (VCV003060390.1), dbSNP rs2756923, ClinGen allele CA309893727.